The following is an entry in ClinVar:

ClinVar aggregate classification (germline): Likely pathogenic (1 of 4 stars; one submission).

Conditions:
KIDINS220-related disorder. Also called: KIDINS220-related condition.

Submission:

PreventionGenetics, part of Exact Sciences
Classification: Likely pathogenic for KIDINS220-related condition. Last evaluated: 2026-07-28. Review status: criteria provided, single submitter. Criteria: ACMG Guidelines, 2015. Collection method: clinical testing. Allele origin: germline.
Comment: The KIDINS220 c.2536delA variant is predicted to result in a frameshift and premature protein termination (p.Ser846Valfs*4). To our knowledge, this variant has not been reported in the literature or in a large population database (gnomAD), indicating this variant is rare. Frameshift variants in KIDINS220 are expected to be pathogenic. However, this variant is located in exon 19 of 30, and therefore is expected to be pathogenic for autosomal recessive KIDINS220 associated disorders. This variant is interpreted as likely pathogenic.

NM_020738.4(KIDINS220):c.2536del (p.Ser846fs)

Gene: KIDINS220 (kinase D interacting substrate 220; minus strand). Cytogenetic location: 2p25.1.
Variant type: Deletion.
Coding change: c.2536del on transcript NM_020738.4 (MANE Select); coding-DNA position 2536, one base deleted (A; older notation c.2536delA).
Protein change: p.Ser846fs; shifts the reading frame from serine 846.
Molecular consequence: frameshift variant. On other transcripts: non-coding transcript variant (2).
Genome position (GRCh38, 1-based): chr2:8,778,974, T deleted on the plus strand (A on the coding strand, the reverse complement: KIDINS220 is on the minus strand). VCF-style (leftmost placement, unchanged base first): chr2-8778973-CT-C. GRCh37 (hg19) VCF-style: chr2-8919103-CT-C.
Other names: c.2539del, p.Ser847fs (NM_001348729.2, NM_001348731.2, NM_001348734.2 and 3 more transcripts); c.2536del, p.Ser846fs (NM_001348732.2, NM_001348735.2, NM_001348738.2 and 3 more transcripts); c.2410del, p.Ser804fs (NM_001348736.2); short protein forms S804fs, S846fs, S847fs.
Identifiers: ClinVar variation 4994879 (VCV004994879.1).